The following is an entry in ClinVar:

ClinVar aggregate classification (germline): Uncertain significance (1 of 4 stars; one submission).

Conditions:
Neurofibromatosis, type 1 (NF1). Also called: VON RECKLINGHAUSEN DISEASE; NEUROFIBROMATOSIS, TYPE I, SOMATIC; Peripheral type neurofibromatosis; Neurofibromatosis, type I. Identifiers: Orphanet 636, MedGen C0027831, MONDO:0018975, OMIM 162200. Disease mechanism: loss of function.

Submission:

Labcorp Genetics (formerly Invitae), Labcorp
Classification: Uncertain significance for Neurofibromatosis, type 1. Last evaluated: 2017-07-27. Review status: criteria provided, single submitter. Criteria: Invitae Variant Classification Sherloc (09022015). Collection method: clinical testing. Allele origin: germline.
Comment: In summary, the available evidence is currently insufficient to determine the role of this variant in disease. Therefore, it has been classified as a Variant of Uncertain Significance. Algorithms developed to predict the effect of missense changes on protein structure and function do not agree on the potential impact of this missense change (SIFT: "Tolerated"; PolyPhen-2: "Probably Damaging"; Align-GVGD: "Class C0"). This variant has not been reported in the literature in individuals with NF1-related disease. This variant is not present in population databases (ExAC no frequency). This sequence change replaces glutamic acid with alanine at codon 1766 of the NF1 protein (p.Glu1766Ala). The glutamic acid residue is moderately conserved and there is a moderate physicochemical difference between glutamic acid and alanine.

NM_001042492.3(NF1):c.5360A>C (p.Glu1787Ala)

Gene: NF1 (neurofibromin 1; plus strand). Cytogenetic location: 17q11.2.
Variant type: single nucleotide variant.
Coding change: c.5360A>C on transcript NM_001042492.3 (MANE Select); coding-DNA position 5360, A replaced by C.
Protein change: p.Glu1787Ala; replaces glutamic acid 1787 with alanine.
Molecular consequence: missense variant.
Genome position (GRCh38, 1-based): chr17:31,327,590, A>C. VCF-style: chr17-31327590-A-C. GRCh37 (hg19) VCF-style: chr17-29654608-A-C.
Other names: c.5297A>C, p.Glu1766Ala (NM_000267.4); short protein forms E1766A, E1787A.
Identifiers: ClinVar variation 457752 (VCV000457752.5), dbSNP rs1555533570, ClinGen allele CA399009260.